The following is an entry in ClinVar:

ClinVar aggregate classification (germline): Uncertain significance. Review status: criteria provided, multiple submitters, no conflicts (2 of 4 stars). 3 submissions from 3 submitters: Uncertain significance (2). 1 of the submissions does not count toward it. Last evaluated 2025-03-01.

Conditions:
Primary ciliary dyskinesia. Also called: Ciliary dyskinesia. Identifiers: Orphanet 244, MedGen C0008780, MONDO:0016575, HP:0012265.

Allele frequency attached by ClinVar (database versions not stated): gnomAD exomes below 0.00001; TOPMed below 0.00001.
gnomAD v4.1: 1 of 1,614,086 alleles (0.000062%); highest among the groups gnomAD compares: Non-Finnish European, 0.000085%; no homozygotes.

Submissions (3):

Ambry Genetics
Classification: Uncertain significance for Primary ciliary dyskinesia. Last evaluated: 2025-03-01. Review status: criteria provided, single submitter. Criteria: Ambry Variant Classification Scheme 2023. Collection method: clinical testing. Allele origin: germline.

Labcorp Genetics (formerly Invitae), Labcorp
Classification: Uncertain significance for Primary ciliary dyskinesia. Last evaluated: 2024-07-05. Review status: criteria provided, single submitter. Criteria: Invitae Variant Classification Sherloc (09022015). Collection method: clinical testing. Allele origin: germline.
Comment: This sequence change replaces valine, which is neutral and non-polar, with alanine, which is neutral and non-polar, at codon 2851 of the DNAH5 protein (p.Val2851Ala). This variant is not present in population databases (gnomAD no frequency). This variant has not been reported in the literature in individuals affected with DNAH5-related conditions. ClinVar contains an entry for this variant (Variation ID: 970149). Advanced modeling of protein sequence and biophysical properties (such as structural, functional, and spatial information, amino acid conservation, physicochemical variation, residue mobility, and thermodynamic stability) performed at Invitae indicates that this missense variant is not expected to disrupt DNAH5 protein function with a negative predictive value of 95%. In summary, the available evidence is currently insufficient to determine the role of this variant in disease. Therefore, it has been classified as a Variant of Uncertain Significance.

Natera, Inc.
Classification: Uncertain significance for Primary ciliary dyskinesia. Last evaluated: 2021-07-07. Review status: no assertion criteria provided. Collection method: clinical testing. Allele origin: germline. Not counted in ClinVar's aggregate classification.

NM_001369.3(DNAH5):c.8552T>C (p.Val2851Ala)

Gene: DNAH5 (dynein axonemal heavy chain 5; minus strand). Cytogenetic location: 5p15.2.
Variant type: single nucleotide variant.
Coding change: c.8552T>C on transcript NM_001369.3 (MANE Select); coding-DNA position 8552, T replaced by C.
Protein change: p.Val2851Ala; replaces valine 2851 with alanine.
Molecular consequence: missense variant.
Genome position (GRCh38, 1-based): chr5:13,788,811, A>G on the plus strand (T>C on the coding strand, the complement: DNAH5 is on the minus strand). VCF-style: chr5-13788811-A-G. GRCh37 (hg19) VCF-style: chr5-13788920-A-G.
Other names: short protein forms V2851A.
Identifiers: ClinVar variation 970149 (VCV000970149.10), dbSNP rs1756491046, ClinGen allele CA359217601.
Genomic context (GRCh38, chr5:13,788,811, plus strand): 5'-AAATATGTGTCAATTCCACAATCCACCAAGAGTTTTTTCTCTTCACCAAACTCCTCCTCT[A>G]CCAAACTTACTAAAGCCTTATCAAACCAGGTCACATCACTGGACACTGTGAAACGGTCAG-3'
Protein context (NP_001360.1, residues 2841-2861): TWFDKALVSL[Val2851Ala]EEEFGEEKKL